The following is an entry in ClinVar:

ClinVar aggregate classification (germline): Uncertain significance. Review status: criteria provided, multiple submitters, no conflicts (2 of 4 stars). 2 submissions from 2 submitters: Uncertain significance (2). Last evaluated 2024-10-04.

Conditions:
Inborn genetic diseases. Identifiers: MedGen C0950123, MeSH D030342.
Martsolf syndrome (MARTS). Also called: Congenital cataract with intellectual disability and hypogonadotropic hypogonadism syndrome. Identifiers: Orphanet 1387, MedGen C0796037, MONDO:0023910.
Warburg micro syndrome 2 (WARBM2). Also called: MICRO SYNDROME 2. Identifiers: Orphanet 2510, MedGen C3280214, MONDO:0013641, OMIM 614225.

Allele frequency attached by ClinVar (database versions not stated): gnomAD exomes below 0.00001; ExAC 0.00002; TOPMed 0.00002; 1000 Genomes Project 0.00020; 1000 Genomes Project 30x 0.00031.

Submissions (2):

Ambry Genetics
Classification: Uncertain significance for Inborn genetic diseases. Last evaluated: 2024-10-04. Review status: criteria provided, single submitter. Criteria: Ambry Variant Classification Scheme 2023. Collection method: clinical testing. Allele origin: germline.

Labcorp Genetics (formerly Invitae), Labcorp
Classification: Uncertain significance for Martsolf syndrome; Warburg micro syndrome 2. Last evaluated: 2022-06-28. Review status: criteria provided, single submitter. Criteria: Invitae Variant Classification Sherloc (09022015). Collection method: clinical testing. Allele origin: germline.
Comment: This sequence change replaces valine, which is neutral and non-polar, with isoleucine, which is neutral and non-polar, at codon 1021 of the RAB3GAP2 protein (p.Val1021Ile). This variant is present in population databases (rs559000009, gnomAD 0.02%). This variant has not been reported in the literature in individuals affected with RAB3GAP2-related conditions. Algorithms developed to predict the effect of missense changes on protein structure and function are either unavailable or do not agree on the potential impact of this missense change (SIFT: "Tolerated"; PolyPhen-2: "Probably Damaging"; Align-GVGD: "Class C0"). In summary, the available evidence is currently insufficient to determine the role of this variant in disease. Therefore, it has been classified as a Variant of Uncertain Significance.

NM_012414.4(RAB3GAP2):c.3061G>A (p.Val1021Ile)

Gene: RAB3GAP2 (RAB3 GTPase activating non-catalytic protein subunit 2; minus strand). Cytogenetic location: 1q41.
Variant type: single nucleotide variant.
Coding change: c.3061G>A on transcript NM_012414.4 (MANE Select); coding-DNA position 3061, G replaced by A.
Protein change: p.Val1021Ile; replaces valine 1021 with isoleucine.
Molecular consequence: missense variant.
Genome position (GRCh38, 1-based): chr1:220,167,319, C>T on the plus strand (G>A on the coding strand, the complement: RAB3GAP2 is on the minus strand). VCF-style: chr1-220167319-C-T. GRCh37 (hg19) VCF-style: chr1-220340661-C-T.
Other names: c.3061G>A (NM_012414.3); short protein forms V1021I.
Identifiers: ClinVar variation 1988411 (VCV001988411.2), dbSNP rs559000009, ClinGen allele CA1402272.